The following is an entry in ClinVar:

NM_001174147.2(LMX1B):c.770G>T (p.Gly257Val)

Gene: LMX1B (LIM homeobox transcription factor 1 beta; plus strand). Cytogenetic location: 9q33.3.
Variant type: single nucleotide variant.
Coding change: c.770G>T on transcript NM_001174147.2 (MANE Select); coding-DNA position 770, G replaced by T.
Protein change: p.Gly257Val; replaces glycine 257 with valine.
Molecular consequence: missense variant.
Genome position (GRCh38, 1-based): chr9:126,693,552, G>T. VCF-style: chr9-126693552-G-T. GRCh37 (hg19) VCF-style: chr9-129455831-G-T.
Other names: c.770G>T, p.Gly257Val (NM_001174146.2, NM_002316.4); short protein forms G257V.
Identifiers: ClinVar variation 1394292 (VCV001394292.6), dbSNP rs2118992774, ClinGen allele CA374913859.

ClinVar aggregate classification (germline): Uncertain significance (1 of 4 stars; one submission).

Submission:

Labcorp Genetics (formerly Invitae), Labcorp
Classification: Uncertain significance. Last evaluated: 2021-11-20. Review status: criteria provided, single submitter. Criteria: Invitae Variant Classification Sherloc (09022015). Collection method: clinical testing. Allele origin: germline.
Comment: This sequence change replaces glycine, which is neutral and non-polar, with valine, which is neutral and non-polar, at codon 257 of the LMX1B protein (p.Gly257Val). This variant is not present in population databases (gnomAD no frequency). This variant has not been reported in the literature in individuals affected with LMX1B-related conditions. Algorithms developed to predict the effect of missense changes on protein structure and function are either unavailable or do not agree on the potential impact of this missense change (SIFT: "Deleterious"; PolyPhen-2: "Probably Damaging"; Align-GVGD: "Class C0"). In summary, the available evidence is currently insufficient to determine the role of this variant in disease. Therefore, it has been classified as a Variant of Uncertain Significance.